The following is an entry in ClinVar:

ClinVar aggregate classification (germline): Likely pathogenic (1 of 4 stars; one submission).

Conditions:
Alport syndrome. Also called: Hemorrhagic familial nephritis; Hemorrhagic hereditary nephritis; Congenital hereditary hematuria. Identifiers: Orphanet 63, MedGen C1567741, MONDO:0018965.

gnomAD v4.1: 1 of 1,610,988 alleles (0.000062%); highest among the groups gnomAD compares: African/African-American, 0.0013%; no homozygotes.

Submission:

Natera, Inc.
Classification: Likely pathogenic for Alport syndrome. Last evaluated: 2025-08-20. Review status: criteria provided, single submitter. Criteria: Natera Variant Classification Schema (03/2026). Collection method: clinical testing. Allele origin: germline.
Comment: The c.3346G>A variant in COL4A3 is a missense variant predicted to cause substitution of glycine to serine at amino acid 1116. This variant is rare in the general population with a frequency below the threshold expected for the associated phenotype(s). This variant is located in a functionally critical region of the protein. Computational prediction algorithms indicate this variant is likely to affect gene or protein function. Given the available evidence, this variant is classified as Likely Pathogenic.

NM_000091.5(COL4A3):c.3346G>A (p.Gly1116Ser)

Genes: COL4A3 (collagen type IV alpha 3 chain; plus strand), MFF-DT (MFF divergent transcript; minus strand). Cytogenetic location: 2q36.3.
Variant type: single nucleotide variant.
Coding change: c.3346G>A on transcript NM_000091.5 (MANE Select); coding-DNA position 3346, G replaced by A.
Protein change: p.Gly1116Ser; replaces glycine 1116 with serine.
Molecular consequence: missense variant.
Genome position (GRCh38, 1-based): chr2:227,294,498, G>A. VCF-style: chr2-227294498-G-A. GRCh37 (hg19) VCF-style: chr2-228159214-G-A.
Other names: short protein forms G1116S.
Identifiers: ClinVar variation 4817247 (VCV004817247.1).